The following is an entry in ClinVar:

ClinVar aggregate classification (germline): Likely benign (0 of 4 stars; one submission).

Conditions:
FDX2-related disorder. Also called: FDX2-related condition.

gnomAD v4.1: 6 of 1,604,488 alleles (0.00037%); highest among the groups gnomAD compares: Non-Finnish European, 0.00042%; no homozygotes.

Submission:

PreventionGenetics, part of Exact Sciences
Classification: Likely benign for FDX2-related condition. Last evaluated: 2020-06-29. Review status: no assertion criteria provided. Collection method: clinical testing. Allele origin: germline.
Comment: This variant is classified as likely benign based on ACMG/AMP sequence variant interpretation guidelines (Richards et al. 2015 PMID: 25741868, with internal and published modifications).

NM_001397406.1(FDX2):c.9C>T (p.Ala3=)

Genes: FDX2 (ferredoxin 2; minus strand), FDX2-ZGLP1 (FDX2-ZGLP1 readthrough; minus strand). Cytogenetic location: 19p13.2.
Variant type: single nucleotide variant.
Coding change: c.9C>T on transcript NM_001397406.1 (MANE Select); coding-DNA position 9, C replaced by T.
Protein change: p.Ala3=; no amino-acid change (alanine 3 retained).
Molecular consequence: synonymous variant. On other transcripts: non-coding transcript variant (2).
Genome position (GRCh38, 1-based): chr19:10,315,988, G>A on the plus strand (C>T on the coding strand, the complement: FDX2 is on the minus strand). VCF-style: chr19-10315988-G-A. GRCh37 (hg19) VCF-style: chr19-10426664-G-A.
Other names: c.18C>T (NM_001031734.3).
Identifiers: ClinVar variation 3036057 (VCV003036057.2), dbSNP rs749199027, ClinGen allele CA9191382.
Genomic context (GRCh38, chr19:10,315,988, plus strand): 5'-CCAGGTGCCCCTGGCAGCCTGCAGTAGAACCCTGGCACTCACGCCTCCCCGGGCCATGGA[G>A]GCGGCCATGACATGCATCACGTGACTCACCGACTGAGCATGCGCCGCGCCAGGGAGGCGA-3'
Protein context (NP_001384335.1, residues 1-13): MA[Ala3=]SMARGGVSAR